The following is an entry in ClinVar:

ClinVar aggregate classification (germline): Likely pathogenic (1 of 4 stars; one submission).

Conditions:
Aspartylglucosaminuria (AGU). Also called: AGA DEFICIENCY; GLYCOASPARAGINASE; GLYCOSYLASPARAGINASE DEFICIENCY; Aspartylglucos-aminuria; Aspartylglucos-amidase (AGA) deficiency. Identifiers: Orphanet 93, MedGen C0268225, MONDO:0008830, OMIM 208400, HP:0012068.

Submission:

Natera, Inc.
Classification: Likely pathogenic for Aspartylglucosaminuria. Last evaluated: 2025-03-31. Review status: criteria provided, single submitter. Criteria: Natera Variant Classification Schema (03/2026). Collection method: clinical testing. Allele origin: germline.
Comment: The c.623-1G>T variant in AGA is a canonical splice acceptor site variant predicted to affect pre-mRNA splicing, which may result in an abnormal transcript and altered protein product. This variant is expected to result in nonsense mediated decay, truncation, or a dysfunctional protein product. This variant is rare in the general population with a frequency below the threshold expected for the associated phenotype(s). Given the available evidence, this variant is classified as Likely Pathogenic.

NM_000027.4(AGA):c.623-1G>T

Gene: AGA (aspartylglucosaminidase; minus strand). Cytogenetic location: 4q34.3.
Variant type: single nucleotide variant.
Coding change: c.623-1G>T on transcript NM_000027.4 (MANE Select); the canonical splice acceptor site of the intron before coding-DNA position 623, G replaced by T.
Molecular consequence: splice acceptor variant.
Genome position (GRCh38, 1-based): chr4:177,436,352, C>A on the plus strand (G>T on the coding strand, the complement: AGA is on the minus strand). VCF-style: chr4-177436352-C-A. GRCh37 (hg19) VCF-style: chr4-178357506-C-A.
Other names: c.623-1G>T (NM_001171988.2).
Identifiers: ClinVar variation 4067515 (VCV004067515.2).